The following is an entry in ClinVar:

ClinVar aggregate classification (germline): Likely benign (0 of 4 stars; one submission).

Conditions:
PCSK1-related disorder. Also called: PCSK1-related condition.

gnomAD v4.1: 16 of 1,614,032 alleles (0.00099%); highest among the groups gnomAD compares: South Asian, 0.0044%; no homozygotes.

Submission:

PreventionGenetics, part of Exact Sciences
Classification: Likely benign for PCSK1-related condition. Last evaluated: 2021-06-17. Review status: no assertion criteria provided. Collection method: clinical testing. Allele origin: germline.
Comment: This variant is classified as likely benign based on ACMG/AMP sequence variant interpretation guidelines (Richards et al. 2015 PMID: 25741868, with internal and published modifications).

NM_000439.5(PCSK1):c.2076G>A (p.Lys692=)

Genes: CAST (calpastatin; plus strand), PCSK1 (proprotein convertase subtilisin/kexin type 1; minus strand), LOC101929710 (uncharacterized LOC101929710; plus strand). Cytogenetic location: 5q15.
Variant type: single nucleotide variant.
Coding change: c.2076G>A on transcript NM_000439.5 (MANE Select); coding-DNA position 2076, G replaced by A.
Protein change: p.Lys692=; no amino-acid change (lysine 692 retained).
Molecular consequence: synonymous variant. On other transcripts: intron variant (11).
Genome position (GRCh38, 1-based): chr5:96,393,187, C>T on the plus strand (G>A on the coding strand, the complement: PCSK1 is on the minus strand). VCF-style: chr5-96393187-C-T. GRCh37 (hg19) VCF-style: chr5-95728891-C-T.
Other names: c.1935G>A, p.Lys645= (NM_001177875.2); c.-175+13535C>T (NM_001423254.1, NM_001423259.1, NM_001423255.1 and 6 more transcripts); c.-103+13535C>T (NM_001423253.1); c.-40+13535C>T (NM_001423258.1).
Identifiers: ClinVar variation 3056242 (VCV003056242.2), dbSNP rs570064523, ClinGen allele CA3350058.
Genomic context (GRCh38, chr5:96,393,187, plus strand): 5'-CTGGGAAGGTTTGTTCAGCTTTTCCAGGGCTTCGTAGAAGTTTTCATAAGGGATGTTGAG[C>T]TTTGCACTTGGGGACTTCTTTGGTGATTGCTTTGGCGGTGAGTTTTTACTGAAAGCACTT-3'
Protein context (NP_000430.3, residues 682-702): KQSPKKSPSA[Lys692=]LNIPYENFYE